The following is an entry in ClinVar:

NM_032444.4(SLX4):c.416G>C (p.Gly139Ala)

Gene: SLX4 (SLX4 structure-specific endonuclease subunit; minus strand). Cytogenetic location: 16p13.3.
Variant type: single nucleotide variant.
Coding change: c.416G>C on transcript NM_032444.4 (MANE Select); coding-DNA position 416, G replaced by C.
Protein change: p.Gly139Ala; replaces glycine 139 with alanine.
Molecular consequence: missense variant.
Genome position (GRCh38, 1-based): chr16:3,608,549, C>G on the plus strand (G>C on the coding strand, the complement: SLX4 is on the minus strand). VCF-style: chr16-3608549-C-G. GRCh37 (hg19) VCF-style: chr16-3658550-C-G.
Other names: short protein forms G139A.
Identifiers: ClinVar variation 2916764 (VCV002916764.3), dbSNP rs2040812049, ClinGen allele CA394547269.

ClinVar aggregate classification (germline): Uncertain significance (1 of 4 stars; one submission).

Conditions:
Fanconi anemia (FA). Also called: Fanconi's anemia. Identifiers: Orphanet 84, MedGen C0015625, MeSH D005199, MONDO:0019391.

Allele frequency attached by ClinVar (database versions not stated): gnomAD exomes below 0.00001.
gnomAD v4.1: 2 of 1,614,190 alleles (0.00012%); highest among the groups gnomAD compares: Non-Finnish European, 0.00017%; no homozygotes.

Submission:

Labcorp Genetics (formerly Invitae), Labcorp
Classification: Uncertain significance for Fanconi anemia. Last evaluated: 2023-02-16. Review status: criteria provided, single submitter. Criteria: Invitae Variant Classification Sherloc (09022015). Collection method: clinical testing. Allele origin: germline.
Comment: This sequence change replaces glycine, which is neutral and non-polar, with alanine, which is neutral and non-polar, at codon 139 of the SLX4 protein (p.Gly139Ala). This variant is not present in population databases (gnomAD no frequency). This variant has not been reported in the literature in individuals affected with SLX4-related conditions. An algorithm developed to predict the effect of missense changes on protein structure and function (PolyPhen-2) suggests that this variant is likely to be disruptive. In summary, the available evidence is currently insufficient to determine the role of this variant in disease. Therefore, it has been classified as a Variant of Uncertain Significance.